The following is an entry in ClinVar:

ClinVar aggregate classification (germline): Uncertain significance (1 of 4 stars; one submission).

Conditions:
Cenani-Lenz syndactyly syndrome. Also called: SYNDACTYLY, TYPE VII; CENANI SYNDACTYLISM. Identifiers: Orphanet 3258, MedGen C1859309, MONDO:0008931, OMIM 212780.
Congenital myasthenic syndrome 17. Identifiers: Orphanet 590, MedGen C4225377, MONDO:0014578, OMIM 616304.
Sclerosteosis 2 (SOST2). Identifiers: Orphanet 3152, MedGen C3280402, MONDO:0013679, OMIM 614305.

Submission:

Labcorp Genetics (formerly Invitae), Labcorp
Classification: Uncertain significance for Cenani-Lenz syndactyly syndrome; Sclerosteosis 2; Congenital myasthenic syndrome 17. Last evaluated: 2020-11-12. Review status: criteria provided, single submitter. Criteria: Invitae Variant Classification Sherloc (09022015). Collection method: clinical testing. Allele origin: germline.
Comment: This sequence change replaces methionine with isoleucine at codon 1047 of the LRP4 protein (p.Met1047Ile). The methionine residue is highly conserved and there is a small physicochemical difference between methionine and isoleucine. This variant is not present in population databases (ExAC no frequency). This variant has not been reported in the literature in individuals with LRP4-related conditions. Algorithms developed to predict the effect of missense changes on protein structure and function are either unavailable or do not agree on the potential impact of this missense change (SIFT: "Deleterious"; PolyPhen-2: "Benign"; Align-GVGD: "Class C0"). In summary, the available evidence is currently insufficient to determine the role of this variant in disease. Therefore, it has been classified as a Variant of Uncertain Significance.

NM_002334.4(LRP4):c.3141G>A (p.Met1047Ile)

Gene: LRP4 (LDL receptor related protein 4; minus strand). Cytogenetic location: 11p11.2.
Variant type: single nucleotide variant.
Coding change: c.3141G>A on transcript NM_002334.4 (MANE Select); coding-DNA position 3141, G replaced by A.
Protein change: p.Met1047Ile; replaces methionine 1047 with isoleucine.
Molecular consequence: missense variant.
Genome position (GRCh38, 1-based): chr11:46,877,335, C>T on the plus strand (G>A on the coding strand, the complement: LRP4 is on the minus strand). VCF-style: chr11-46877335-C-T. GRCh37 (hg19) VCF-style: chr11-46898886-C-T.
Other names: short protein forms M1047I.
Identifiers: ClinVar variation 1462963 (VCV001462963.8), dbSNP rs2134802507, ClinGen allele CA380275819.